The following is an entry in ClinVar:

NM_133178.4(PTPRU):c.831C>T (p.Phe277=)

Gene: PTPRU (protein tyrosine phosphatase receptor type U; plus strand). Cytogenetic location: 1p35.3.
Variant type: single nucleotide variant.
Coding change: c.831C>T on transcript NM_133178.4 (MANE Select); coding-DNA position 831, C replaced by T.
Protein change: p.Phe277=; no amino-acid change (phenylalanine 277 retained).
Molecular consequence: synonymous variant.
Genome position (GRCh38, 1-based): chr1:29,260,025, C>T. VCF-style: chr1-29260025-C-T. GRCh37 (hg19) VCF-style: chr1-29586537-C-T.
Other names: c.831C>T, p.Phe277= (NM_001195001.2, NM_005704.5, NM_133177.4).
Identifiers: ClinVar variation 3045749 (VCV003045749.2), dbSNP rs778529151, ClinGen allele CA726196.

ClinVar aggregate classification (germline): Likely benign (0 of 4 stars; one submission).

Conditions:
PTPRU-related disorder. Also called: PTPRU-related condition.

Allele frequency attached by ClinVar (database versions not stated): gnomAD 0.00001; gnomAD exomes 0.00001; TOPMed 0.00006; ExAC 0.00023.
gnomAD v4.1: 12 of 1,467,248 alleles (0.00082%); highest among the groups gnomAD compares: Admixed American, 0.022%; no homozygotes.

Submission:

PreventionGenetics, part of Exact Sciences
Classification: Likely benign for PTPRU-related condition. Last evaluated: 2019-11-12. Review status: no assertion criteria provided. Collection method: clinical testing. Allele origin: germline.
Comment: This variant is classified as likely benign based on ACMG/AMP sequence variant interpretation guidelines (Richards et al. 2015 PMID: 25741868, with internal and published modifications).